The following is an entry in ClinVar:

ClinVar aggregate classification (germline): Benign (1 of 4 stars; one submission).

Allele frequency attached by ClinVar (database versions not stated): 1000 Genomes Project 30x 0.92177; 1000 Genomes Project 0.92592; TOPMed 0.93102; gnomAD 0.93416 and 0.93858.

Submissions (2):

GeneDx
Classification: Benign. Last evaluated: 2018-06-19. Review status: criteria provided, single submitter. Criteria: GeneDx Variant Classification (06012015). Collection method: clinical testing. Allele origin: germline. Affected: yes.
Comment: This variant is considered likely benign or benign based on one or more of the following criteria: it is a conservative change, it occurs at a poorly conserved position in the protein, it is predicted to be benign by multiple in silico algorithms, and/or has population frequency not consistent with disease.

Dr. Peter K. Rogan Lab, Western University
No classification provided (evidence only). Condition: Familial cancer of breast. Review status: no classification provided. Collection method: in vitro. Allele origin: not applicable. Functional consequence: retained intron. Not counted in ClinVar's aggregate classification.

NM_000027.4(AGA):c.699-237G>A

Gene: AGA (aspartylglucosaminidase; minus strand). Cytogenetic location: 4q34.3.
Variant type: single nucleotide variant.
Coding change: c.699-237G>A on transcript NM_000027.4 (MANE Select); 237 bases into the intron before coding-DNA position 699, G replaced by A.
Molecular consequence: intron variant.
Genome position (GRCh38, 1-based): chr4:177,434,726, C>T on the plus strand (G>A on the coding strand, the complement: AGA is on the minus strand). VCF-style: chr4-177434726-C-T. GRCh37 (hg19) VCF-style: chr4-178355880-C-T.
Other names: NC_000004.11:g.178355880C>T; c.677-245G>A (NM_001171988.2).
Identifiers: ClinVar variation 683243 (VCV000683243.2), dbSNP rs4690385, ClinGen allele CA110787694.